The following is an entry in ClinVar:

NM_001039660.2(IL18BP):c.269G>C (p.Ser90Thr)

Gene: IL18BP (interleukin 18 binding protein; plus strand). Cytogenetic location: 11q13.4.
Variant type: single nucleotide variant.
Coding change: c.269G>C on transcript NM_001039660.2 (MANE Select); coding-DNA position 269, G replaced by C.
Protein change: p.Ser90Thr; replaces serine 90 with threonine.
Molecular consequence: missense variant. On other transcripts: intron variant (1).
Genome position (GRCh38, 1-based): chr11:72,001,234, G>C. VCF-style: chr11-72001234-G-C. GRCh37 (hg19) VCF-style: chr11-71712280-G-C.
Other names: c.269G>C, p.Ser90Thr (NM_001039659.2, NM_001145057.1, NM_005699.3 and 2 more transcripts); c.236-550G>C (NM_001145055.1); short protein forms S90T.
Identifiers: ClinVar variation 2160810 (VCV002160810.4), dbSNP rs367559597, ClinGen allele CA6166175.

ClinVar aggregate classification (germline): Uncertain significance (1 of 4 stars; one submission).

Allele frequency attached by ClinVar (database versions not stated): gnomAD 0.00003; gnomAD exomes 0.00003; TOPMed 0.00003; ExAC 0.00004; ESP Exome Variant Server 0.00008.
gnomAD v4.1: 49 of 1,614,102 alleles (0.003%); highest among the groups gnomAD compares: Admixed American, 0.01%; no homozygotes.

Submission:

Labcorp Genetics (formerly Invitae), Labcorp
Classification: Uncertain significance. Last evaluated: 2026-02-02. Review status: criteria provided, single submitter. Criteria: Invitae Variant Classification Sherloc (09022015). Collection method: clinical testing. Allele origin: germline.
Comment: This sequence change replaces serine, which is neutral and polar, with threonine, which is neutral and polar, at codon 90 of the IL18BP protein (p.Ser90Thr). This variant is present in population databases (rs367559597, gnomAD 0.01%). This variant has not been reported in the literature in individuals affected with IL18BP-related conditions. ClinVar contains an entry for this variant (Variation ID: 2160810). An algorithm developed to predict the effect of missense changes on protein structure and function (PolyPhen-2) suggests that this variant is likely to be disruptive. In summary, the available evidence is currently insufficient to determine the role of this variant in disease. Therefore, it has been classified as a Variant of Uncertain Significance.